The following is an entry in ClinVar:

NM_022168.4(IFIH1):c.1372A>T (p.Met458Leu)

Gene: IFIH1 (interferon induced with helicase C domain 1; minus strand). Cytogenetic location: 2q24.2.
Variant type: single nucleotide variant.
Coding change: c.1372A>T on transcript NM_022168.4 (MANE Select); coding-DNA position 1372, A replaced by T.
Protein change: p.Met458Leu; replaces methionine 458 with leucine.
Molecular consequence: missense variant.
Genome position (GRCh38, 1-based): chr2:162,281,480, T>A on the plus strand (A>T on the coding strand, the complement: IFIH1 is on the minus strand). VCF-style: chr2-162281480-T-A. GRCh37 (hg19) VCF-style: chr2-163137990-T-A.
Other names: short protein forms M458L.
Identifiers: ClinVar variation 4539953 (VCV004539953.1).

ClinVar aggregate classification (germline): Uncertain significance (1 of 4 stars; one submission).

Submission:

GeneDx
Classification: Uncertain significance. Last evaluated: 2025-06-29. Review status: criteria provided, single submitter. Criteria: GeneDx Variant Classification Process June 2021. Collection method: clinical testing. Allele origin: germline. Affected: yes.
Comment: Not observed at significant frequency in large population cohorts (gnomAD); In silico analysis supports that this missense variant has a deleterious effect on protein structure/function; Has not been previously published as pathogenic or benign to our knowledge